The following is an entry in ClinVar:

ClinVar aggregate classification (germline): Pathogenic (1 of 4 stars; one submission).

Submission:

GeneDx
Classification: Pathogenic. Last evaluated: 2016-11-28. Review status: criteria provided, single submitter. Criteria: GeneDx Variant Classification (06012015). Collection method: clinical testing. Allele origin: germline. Affected: yes.
Comment: The c.4004_4005delAG variant in the FLG gene has been reported previously in association with atopic dermatitis, (Chen et al., 2011). It causes a frameshift starting with codon Glutamic acid 1335, changes this amino acid to a Valine residue, and creates a premature Stop codon at position 12 of the new reading frame, denoted p.E1335VfsX12. This variant is predicted to cause loss of normal protein function through protein truncation, as the last 2,727 amino acids are replaced with 11 aberrant amino acids. Additionally, the c.4004_4005delAG variant was not observed in approximately 6,500 individuals of European and African American ancestry in the NHLBI Exome Sequencing Project, indicating it is not a common benign variant in these populations. We interpret c.4004_4005delAG as a pathogenic variant.

NM_002016.2(FLG):c.4004_4005del (p.Glu1335fs)

Genes: FLG (filaggrin; minus strand), FLG-AS1 (FLG antisense RNA 1; plus strand). Cytogenetic location: 1q21.3.
Variant type: Microsatellite.
Coding change: c.4004_4005del on transcript NM_002016.2 (MANE Select); coding-DNA positions 4004 to 4005, 2 bases deleted (AG; older notation c.4004_4005delAG).
Protein change: p.Glu1335fs; shifts the reading frame from glutamic acid 1335.
Molecular consequence: frameshift variant.
Genome position (GRCh38, 1-based): chr1:152,310,881-152,310,882, CT deleted on the plus strand (AG on the coding strand, the reverse complement: FLG is on the minus strand); deleting any 2 consecutive bases within chr1:152,310,881-152,310,884 gives the same sequence; the c. name uses the placement nearest the transcript's 3' end. VCF-style (leftmost placement, unchanged base first): chr1-152310880-ACT-A. GRCh37 (hg19) VCF-style: chr1-152283356-ACT-A.
Other names: c.4004_4005delAG (NM_002016.1); short protein forms E1335fs.
Identifiers: ClinVar variation 372768 (VCV000372768.2), dbSNP rs1057517973, ClinGen allele CA16042301.
Genomic context (GRCh38, chr1:152,310,880, plus strand): 5'-TTTCTCCTGGACTTGATCTTGCCTGTTCATGGGATGACACAGCCTGTCCATGAGAGGAAG[ACT>A]CTGTGTGATGAGTGCCTGATTGTCTGGAGCTGTCTGCAGAGTGCCCGTGACTGGCTCTGT-3'